The following is an entry in ClinVar:

NM_006348.5(COG5):c.1686+2T>G

Genes: COG5 (component of oligomeric golgi complex 5; minus strand), LOC129389837 (MPRA-validated peak6677 silencer; plus strand). Cytogenetic location: 7q22.3.
Variant type: single nucleotide variant.
Coding change: c.1686+2T>G on transcript NM_006348.5 (MANE Select); the canonical splice donor site of the intron after coding-DNA position 1686, T replaced by G.
Molecular consequence: splice donor variant. On other transcripts: intron variant (1).
Genome position (GRCh38, 1-based): chr7:107,258,271, A>C on the plus strand (T>G on the coding strand, the complement: COG5 is on the minus strand). VCF-style: chr7-107258271-A-C. GRCh37 (hg19) VCF-style: chr7-106898716-A-C.
Other names: c.1686+2T>G (NM_001161520.2, NM_181733.4, NM_001379514.1 and 1 more transcripts); c.972+2T>G (NM_001379516.1); c.1116+2T>G (NM_001379515.1); c.1524+2T>G (NM_001379511.1); c.1576-9772T>G (NM_001379512.1).
Identifiers: ClinVar variation 1503343 (VCV001503343.8), dbSNP rs2116623273, ClinGen allele CA368940849.
Genomic context (GRCh38, chr7:107,258,271, plus strand): 5'-GTCCAAATTTGAGGCAAGAAGAATTTAAAATTAAGTAAAAAAAAACTTAATAAAATAGTT[A>C]CCTTTGTTACTGATTGGTGCAACTTATACAATGAATTCACTACTGCCACATTTCTTCTCT-3'

ClinVar aggregate classification (germline): Likely pathogenic (1 of 4 stars; one submission).

Conditions:
COG5-congenital disorder of glycosylation. Also called: CDG IIi; CONGENITAL DISORDER OF GLYCOSYLATION, TYPE IIi; COG5-CDG. Identifiers: Orphanet 263487, MedGen C3150876, MONDO:0013325, OMIM 613612.

Submission:

Labcorp Genetics (formerly Invitae), Labcorp
Classification: Likely pathogenic for COG5-congenital disorder of glycosylation. Last evaluated: 2021-04-23. Review status: criteria provided, single submitter. Criteria: Invitae Variant Classification Sherloc (09022015). Collection method: clinical testing. Allele origin: germline.
Comment: In summary, the currently available evidence indicates that the variant is pathogenic, but additional data are needed to prove that conclusively. Therefore, this variant has been classified as Likely Pathogenic. Algorithms developed to predict the effect of sequence changes on RNA splicing suggest that this variant may disrupt the consensus splice site, but this prediction has not been confirmed by published transcriptional studies. This variant has not been reported in the literature in individuals with COG5-related conditions. This sequence change affects a donor splice site in intron 15 of the COG5 gene. It is expected to disrupt RNA splicing. Variants that disrupt the donor or acceptor splice site typically lead to a loss of protein function (PMID: 16199547), and loss-of-function variants in COG5 are known to be pathogenic (PMID: 23228021). This variant is not present in population databases (ExAC no frequency).

Literature cited by the submitters: PubMed 16199547; PubMed 23228021.